The following is an entry in ClinVar:

NM_016373.4(WWOX):c.838C>G (p.Leu280Val)

Gene: WWOX (WW domain containing oxidoreductase; plus strand). Cytogenetic location: 16q23.1.
Variant type: single nucleotide variant.
Coding change: c.838C>G on transcript NM_016373.4 (MANE Select); coding-DNA position 838, C replaced by G.
Protein change: p.Leu280Val; replaces leucine 280 with valine.
Molecular consequence: missense variant.
Genome position (GRCh38, 1-based): chr16:78,432,534, C>G. VCF-style: chr16-78432534-C-G. GRCh37 (hg19) VCF-style: chr16-78466431-C-G.
Other names: c.499C>G, p.Leu167Val (NM_001291997.2); c.838C>G (NM_016373.2); short protein forms L167V, L280V.
Identifiers: ClinVar variation 2077864 (VCV002077864.5), dbSNP rs1000079161, ClinGen allele CA284547203.

ClinVar aggregate classification (germline): Uncertain significance. Review status: criteria provided, multiple submitters, no conflicts (2 of 4 stars). 2 submissions from 2 submitters: Uncertain significance (2). Last evaluated 2026-01-21.

Conditions:
Autosomal recessive spinocerebellar ataxia 12. Also called: SPINOCEREBELLAR ATAXIA WITH MENTAL RETARDATION AND EPILEPSY. Identifiers: Orphanet 284282, MedGen C3280452, MONDO:0013687, OMIM 614322.
Developmental and epileptic encephalopathy, 1 (DEE1). Also called: Epileptic encephalopathy, early infantile, 1; X-linked infantile spasms; West's syndrome; Tonic spasms with clustering, arrest of psychomotor development and hypsarrhythmia on EEG; X-Linked Infantile Spasm Syndrome; OHTAHARA SYNDROME, X-LINKED. Identifiers: MedGen C3463992, MONDO:0010632, OMIM 308350. Disease mechanism: loss of function.

Allele frequency attached by ClinVar (database versions not stated): gnomAD exomes below 0.00001; gnomAD 0.00001.
gnomAD v4.1: 5 of 1,614,060 alleles (0.00031%); highest among the groups gnomAD compares: African/African-American, 0.004%; no homozygotes.

Submissions (2):

GeneDx
Classification: Uncertain significance. Last evaluated: 2026-01-21. Review status: criteria provided, single submitter. Criteria: GeneDx Variant Classification Process June 2021. Collection method: clinical testing. Allele origin: germline.
Comment: Not observed at significant frequency in large population cohorts (gnomAD); In silico analysis suggests that this missense variant does not alter protein structure/function; Has not been previously published as pathogenic or benign to our knowledge; This variant is associated with the following publications: (PMID: 25411445)

Labcorp Genetics (formerly Invitae), Labcorp
Classification: Uncertain significance for Developmental and epileptic encephalopathy, 1; Autosomal recessive spinocerebellar ataxia 12. Last evaluated: 2025-01-27. Review status: criteria provided, single submitter. Criteria: Invitae Variant Classification Sherloc (09022015). Collection method: clinical testing. Allele origin: germline.
Comment: This sequence change replaces leucine, which is neutral and non-polar, with valine, which is neutral and non-polar, at codon 280 of the WWOX protein (p.Leu280Val). This variant is not present in population databases (gnomAD no frequency). This variant has not been reported in the literature in individuals affected with WWOX-related conditions. ClinVar contains an entry for this variant (Variation ID: 2077864). Invitae Evidence Modeling of protein sequence and biophysical properties (such as structural, functional, and spatial information, amino acid conservation, physicochemical variation, residue mobility, and thermodynamic stability) indicates that this missense variant is not expected to disrupt WWOX protein function with a negative predictive value of 80%. In summary, the available evidence is currently insufficient to determine the role of this variant in disease. Therefore, it has been classified as a Variant of Uncertain Significance.